The following is an entry in ClinVar:

NM_147127.5(EVC2):c.2219delinsTTTCT (p.Thr740fs)

Gene: EVC2 (EvC ciliary complex subunit 2; minus strand). Cytogenetic location: 4p16.2.
Variant type: Indel.
Coding change: c.2219delinsTTTCT on transcript NM_147127.5 (MANE Select); coding-DNA position 2219, C replaced by TTTCT.
Protein change: p.Thr740fs; shifts the reading frame from threonine 740.
Molecular consequence: frameshift variant.
Genome position (GRCh38, 1-based): chr4:5,622,819, G replaced by AGAAA on the plus strand (C replaced by TTTCT on the coding strand, the reverse complement: EVC2 is on the minus strand). VCF-style: chr4-5622819-G-AGAAA. GRCh37 (hg19) VCF-style: chr4-5624546-G-AGAAA.
Other names: c.1979delinsTTTCT, p.Thr660fs (NM_001166136.2); short protein forms T660fs, T740fs.
Identifiers: ClinVar variation 1724021 (VCV001724021.2), dbSNP rs2475375376, ClinGen allele CA2580070757.

ClinVar aggregate classification (germline): Likely pathogenic (1 of 4 stars; one submission).

Conditions:
Ellis-van Creveld syndrome (EVC). Also called: EVC-Related Ellis-van Creveld Syndrome; EVC2-Related Ellis-van Creveld Syndrome; MESOECTODERMAL DYSPLASIA; Chondroectodermal dysplasia. Identifiers: Orphanet 289, MedGen C0013903, MONDO:0009162, OMIM 225500.

Submission:

Myriad Genetics, Inc.
Classification: Likely pathogenic for Ellis-van Creveld syndrome. Last evaluated: 2021-11-02. Review status: criteria provided, single submitter. Criteria: Myriad Women's Health Autosomal Recessive and X-Linked Classification Criteria (2021). Collection method: clinical testing. Allele origin: unknown.
Comment: NM_147127.4(EVC2):c.2219del1ins5(T740Ifs*7) is expected to be pathogenic in the context of EVC2-related Ellis-van Creveld syndrome. This variant is predicted to lead to an abnormal or absent protein product due to the creation of a premature termination codon in EVC2, a gene where loss-of-function variants are known to be pathogenic. Please note: this variant was assessed in the context of healthy population screening.